The following is an entry in ClinVar:

ClinVar aggregate classification (germline): Uncertain significance (1 of 4 stars; one submission).

Allele frequency attached by ClinVar (database versions not stated): TOPMed 0.00006; ESP Exome Variant Server 0.00015; 1000 Genomes Project 30x 0.00016; 1000 Genomes Project 0.00020.

Submission:

GeneDx
Classification: Uncertain significance. Last evaluated: 2021-04-29. Review status: criteria provided, single submitter. Criteria: GeneDx Variant Classification Process June 2021. Collection method: clinical testing. Allele origin: germline. Affected: yes.
Comment: Reported in a patient with hyperferritinemia who also harbors an additional variant in a gene which is involved in iron absorption (Del-Castillo-Rueda et al., 2011); Located in the 5' untranslated region, and no variants in the regulatory region of the HFE gene have been reported in association with hemochromatosis in HGMD (Stenson et al., 2014); This variant is associated with the following publications: (PMID: 21175851)

NC_000006.12:g.26087421G>A

Genes: HFE (homeostatic iron regulator; plus strand), HFE-AS1 (HFE antisense RNA 1; minus strand). Cytogenetic location: 6p22.2.
Variant type: single nucleotide variant.
Molecular consequence: non-coding transcript variant (on NR_144383.1).
Genome position: GRCh38 VCF-style: chr6-26087421-G-A. GRCh37 (hg19) VCF-style: chr6-26087649-G-A.
Identifiers: ClinVar variation 1320501 (VCV001320501.2), dbSNP rs138378000, ClinGen allele CA3666541.